The following is an entry in ClinVar:

NM_003001.5(SDHC):c.179+1G>C

Gene: SDHC (succinate dehydrogenase complex subunit C; plus strand). Cytogenetic location: 1q23.3.
Variant type: single nucleotide variant.
Coding change: c.179+1G>C on transcript NM_003001.5 (MANE Select); the canonical splice donor site of the intron after coding-DNA position 179, G replaced by C.
Molecular consequence: splice donor variant. On other transcripts: intron variant (4).
Genome position (GRCh38, 1-based): chr1:161,328,498, G>C. VCF-style: chr1-161328498-G-C. GRCh37 (hg19) VCF-style: chr1-161298288-G-C.
Other names: c.68+1G>C (NM_001407119.1, NM_001407120.1); c.179+1G>C (NM_001407115.1, NM_001035511.3); c.77+4828G>C (NM_001035512.3, NM_001278172.3, NM_001407118.1); c.122+1G>C (NM_001407116.1, NM_001407121.1, NM_001407117.1); c.21-12096G>C (NM_001035513.3).
Identifiers: ClinVar variation 372501 (VCV000372501.18), dbSNP rs1057517818, ClinGen allele CA16042288.
Genomic context (GRCh38, chr1:161,328,498, plus strand): 5'-GTTCTGGAATAAGAATATAGGTTCAAACCGTCCTCTGTCTCCCCACATTACTATCTACAG[G>C]TAAGGAAGGATTCTGGAGCCAGAGAATCTAGAGGTAGTGGGTGAAAGTTCTGAAGGTTGA-3'

ClinVar aggregate classification (germline): Likely pathogenic. Review status: criteria provided, multiple submitters, no conflicts (2 of 4 stars). 5 submissions from 5 submitters: Likely pathogenic (5). Last evaluated 2024-06-04.

Conditions:
Pheochromocytoma/paraganglioma syndrome 3. Also called: GLOMUS TUMORS, FAMILIAL, 3; SDHC-Related Hereditary Paraganglioma-Pheochromocytoma Syndrome (Paragangliomas 3); Paragangliomas 3; SDHC-Related Hereditary Paraganglioma-Pheochromocytoma Syndrome. Identifiers: Orphanet 29072, MedGen C1854336, MONDO:0011544, OMIM 605373.
Gastrointestinal stromal tumor. Also called: Gastrointestinal stromal tumor, somatic; Gastrointestinal stroma tumor. Identifiers: Orphanet 44890, MedGen C0238198, MeSH D046152, MONDO:0011719, OMIM 606764, HP:0100723.
Hereditary cancer-predisposing syndrome. Also called: Neoplastic Syndromes, Hereditary; Hereditary Cancer Syndrome; Hereditary neoplastic syndrome; Tumor predisposition. Identifiers: Orphanet 140162, MedGen C0027672, MeSH D009386, MONDO:0015356.
Hereditary pheochromocytoma and paraganglioma. Also called: Hereditary Paraganglioma-Pheochromocytoma Syndromes; Hereditary pheochromocytoma-paraganglioma; Hereditary paragangliomas and pheochromocytomas. Identifiers: Orphanet 29072, MedGen C4274332, MONDO:0017366.

Submissions (5):

Ambry Genetics
Classification: Likely pathogenic for Hereditary cancer-predisposing syndrome. Last evaluated: 2024-06-04. Review status: criteria provided, single submitter. Criteria: Ambry Variant Classification Scheme 2023. Collection method: clinical testing. Allele origin: germline.
Comment: The c.179+1G>C intronic variant results from a G to C substitution one nucleotide after coding exon 3 of the SDHC gene. This variant has been observed in at least one individual with a personal and/or family history that is consistent with SDHC-associated disease (Ambry internal data).This nucleotide position is highly conserved in available vertebrate species. In silico splice site analysis predicts that this alteration will weaken the native splice donor site and may result in the creation or strengthening of a novel splice donor site. RNA studies have demonstrated that this alteration results in abnormal splicing in the set of samples tested (Ambry internal data). Based on the majority of available evidence to date, this variant is likely to be pathogenic.

Myriad Genetics, Inc.
Classification: Likely pathogenic for Pheochromocytoma/paraganglioma syndrome 3. Last evaluated: 2024-05-29. Review status: criteria provided, single submitter. Criteria: Myriad Autosomal Dominant, Autosomal Recessive and X-Linked Classification Criteria (2023). Collection method: clinical testing. Allele origin: unknown.
Comment: This variant is considered likely pathogenic. This variant occurs within a consensus splice junction and is predicted to result in abnormal mRNA splicing of either an out-of-frame exon or an in-frame exon necessary for protein stability and/or normal function.

Women's Health and Genetics/Laboratory Corporation of America, LabCorp
Classification: Likely pathogenic for Hereditary pheochromocytoma and paraganglioma. Last evaluated: 2023-07-10. Review status: criteria provided, single submitter. Criteria: LabCorp Variant Classification Summary - May 2015. Collection method: clinical testing. Allele origin: germline.
Comment: Variant summary: SDHC c.179+1G>C is located in a canonical splice-site and is predicted to affect mRNA splicing resulting in a significantly altered protein due to either exon skipping, shortening, or inclusion of intronic material. Several computational tools predict a significant impact on normal splicing: Four predict the variant abolishes a canonical 5' splicing donor site. However, these predictions have yet to be confirmed by functional studies. The variant was absent in 251440 control chromosomes (gnomAD). To our knowledge, no occurrence of c.179+1G>C in individuals affected with Hereditary Paraganglioma-Pheochromocytoma Syndrome and no experimental evidence demonstrating its impact on protein function have been reported. Three submitters have cited clinical-significance assessments for this variant to ClinVar after 2014. All submitters classified the variant as likely pathogenic. Based on the evidence outlined above, the variant was classified as likely pathogenic.

Labcorp Genetics (formerly Invitae), Labcorp
Classification: Likely pathogenic for Pheochromocytoma/paraganglioma syndrome 3; Gastrointestinal stromal tumor. Last evaluated: 2020-02-04. Review status: criteria provided, single submitter. Criteria: Invitae Variant Classification Sherloc (09022015). Collection method: clinical testing. Allele origin: germline.
Comment: This sequence change affects a donor splice site in intron 3 of the SDHC gene. It is expected to disrupt RNA splicing and likely results in an absent or disrupted protein product. This variant is not present in population databases (ExAC no frequency). This variant has not been reported in the literature in individuals with SDHC-related conditions. ClinVar contains an entry for this variant (Variation ID: 372501). Donor and acceptor splice site variants typically lead to a loss of protein function (PMID: 16199547), and loss-of-function variants in SDHC are known to be pathogenic (PMID: 19454582, 24758179). In summary, the currently available evidence indicates that the variant is pathogenic, but additional data are needed to prove that conclusively. Therefore, this variant has been classified as Likely Pathogenic.

GeneDx
Classification: Likely pathogenic. Last evaluated: 2016-04-06. Review status: criteria provided, single submitter. Criteria: GeneDx Variant Classification (06012015). Collection method: clinical testing. Allele origin: germline. Affected: yes.
Comment: The c.179+1G>C splice site variant in the SDHC gene has not bee reported previously as a pathogenicvariant, nor as a benign variant, to our knowledge. This variant was not observed in approximately6,500 individuals of European and African American ancestry in the NHLBI Exome SequencingProject, indicating it is not a common benign variant in these populations. The c.179+1G>C variantdestroys the canonical splice donor site in intron 3, and is expected to cause abnormal gene splicing.Based on the available information, c.179+1G>C is a strong candidate for a pathogenic variant;however, the possibility it may be a rare benign variant cannot be excluded.

Literature cited by the submitters: PubMed 16199547 (cited by Labcorp Genetics (formerly Invitae), Labcorp); PubMed 19454582 (cited by Labcorp Genetics (formerly Invitae), Labcorp); PubMed 24758179 (cited by Labcorp Genetics (formerly Invitae), Labcorp).